The following is an entry in ClinVar:

ClinVar aggregate classification (germline): Uncertain significance (1 of 4 stars; one submission).

Submission:

GeneDx
Classification: Uncertain significance. Last evaluated: 2025-06-24. Review status: criteria provided, single submitter. Criteria: GeneDx Variant Classification Process June 2021. Collection method: clinical testing. Allele origin: germline. Affected: yes.
Comment: Not observed at significant frequency in large population cohorts (gnomAD); In silico analysis supports that this missense variant has a deleterious effect on protein structure/function; Has not been previously published as pathogenic or benign to our knowledge

NM_001353345.2(SETD1B):c.1601C>T (p.Ser534Phe)

Gene: SETD1B (SET domain containing 1B, histone lysine methyltransferase; plus strand). Cytogenetic location: 12q24.31.
Variant type: single nucleotide variant.
Coding change: c.1601C>T on transcript NM_001353345.2 (MANE Select); coding-DNA position 1601, C replaced by T.
Protein change: p.Ser534Phe; replaces serine 534 with phenylalanine.
Molecular consequence: missense variant.
Genome position (GRCh38, 1-based): chr12:121,810,546, C>T. VCF-style: chr12-121810546-C-T. GRCh37 (hg19) VCF-style: chr12-122248452-C-T.
Other names: short protein forms S534F.
Identifiers: ClinVar variation 4540346 (VCV004540346.1).